The following is an entry in ClinVar:

ClinVar aggregate classification (germline): Likely benign (0 of 4 stars; one submission).

Conditions:
GPC4-related disorder. Also called: GPC4-related condition.

gnomAD v4.1: 25 of 1,208,033 alleles (0.0021%); highest among the groups gnomAD compares: East Asian, 0.021%; no homozygotes.

Submission:

PreventionGenetics, part of Exact Sciences
Classification: Likely benign for GPC4-related condition. Last evaluated: 2024-09-04. Review status: no assertion criteria provided. Collection method: clinical testing. Allele origin: germline.
Comment: This variant is classified as likely benign based on ACMG/AMP sequence variant interpretation guidelines (Richards et al. 2015 PMID: 25741868, with internal and published modifications).

NM_001448.3(GPC4):c.429C>T (p.Phe143=)

Gene: GPC4 (glypican 4; minus strand). Cytogenetic location: Xq26.2.
Variant type: single nucleotide variant.
Coding change: c.429C>T on transcript NM_001448.3 (MANE Select); coding-DNA position 429, C replaced by T.
Protein change: p.Phe143=; no amino-acid change (phenylalanine 143 retained).
Molecular consequence: synonymous variant.
Genome position (GRCh38, 1-based): chrX:133,324,427, G>A on the plus strand (C>T on the coding strand, the complement: GPC4 is on the minus strand). VCF-style: chrX-133324427-G-A. GRCh37 (hg19) VCF-style: chrX-132458455-G-A.
Identifiers: ClinVar variation 3350417 (VCV003350417.1).